The following is an entry in ClinVar:

ClinVar aggregate classification (germline): Conflicting classifications of pathogenicity. Review status: criteria provided, conflicting classifications (1 of 4 stars). 5 submissions from 5 submitters: Uncertain significance (1); Likely benign (4). Last evaluated 2026-04-01.

Conditions:
Congenital stationary night blindness 1C. Also called: Night blindness, congenital stationary (complete), 1C, autosomal recessive. Identifiers: Orphanet 215, MedGen C2750747, MONDO:0013183, OMIM 613216.
TRPM1-related disorder. Also called: TRPM1-related condition.

Allele frequency attached by ClinVar (database versions not stated): ExAC 0.00013; TOPMed 0.00016; gnomAD exomes 0.00018.
gnomAD v4.1: 236 of 1,614,010 alleles (0.015%); highest among the groups gnomAD compares: Middle Eastern, 0.13%; 2 homozygotes.

Submissions (5):

CeGaT Center for Human Genetics Tuebingen
Classification: Likely benign. Last evaluated: 2026-04-01. Review status: criteria provided, single submitter. Criteria: CeGaT Center For Human Genetics Tuebingen Variant Classification Criteria Version 2. Collection method: clinical testing. Allele origin: germline. Affected: yes. Observed: 2 variant alleles.
Comment: TRPM1: BP4, BP7

Labcorp Genetics (formerly Invitae), Labcorp
Classification: Likely benign. Last evaluated: 2026-01-17. Review status: criteria provided, single submitter. Criteria: Invitae Variant Classification Sherloc (09022015). Collection method: clinical testing. Allele origin: germline.

PreventionGenetics, part of Exact Sciences
Classification: Likely benign for TRPM1-related condition. Last evaluated: 2025-02-22. Review status: criteria provided, single submitter. Criteria: ACMG Guidelines, 2015. Collection method: clinical testing. Allele origin: germline.
Comment: This variant is classified as likely benign based on ACMG/AMP sequence variant interpretation guidelines (Richards et al. 2015 PMID: 25741868, with internal and published modifications).

Blueprint Genetics
Classification: Likely benign. Last evaluated: 2024-11-13. Review status: criteria provided, single submitter. Criteria: ACMG Guidelines, 2015. Collection method: clinical testing. Allele origin: germline.

Illumina Laboratory Services, Illumina
Classification: Uncertain significance for Congenital stationary night blindness 1C. Last evaluated: 2018-01-13. Review status: criteria provided, single submitter. Criteria: ICSL Variant Classification Criteria 13 December 2019. Collection method: clinical testing. Allele origin: germline.

NM_001252024.2(TRPM1):c.3252C>T (p.Val1084=)

Genes: TRPM1 (transient receptor potential cation channel subfamily M member 1; minus strand), TRPM1-AS1 (TRPM1 antisense RNA 1; plus strand). Cytogenetic location: 15q13.3.
Variant type: single nucleotide variant.
Coding change: c.3252C>T on transcript NM_001252024.2 (MANE Select); coding-DNA position 3252, C replaced by T.
Protein change: p.Val1084=; no amino-acid change (valine 1084 retained).
Molecular consequence: synonymous variant.
Genome position (GRCh38, 1-based): chr15:31,028,373, G>A on the plus strand (C>T on the coding strand, the complement: TRPM1 is on the minus strand). VCF-style: chr15-31028373-G-A. GRCh37 (hg19) VCF-style: chr15-31320576-G-A.
Other names: c.3303C>T, p.Val1101= (NM_001252020.2); c.3186C>T, p.Val1062= (NM_002420.6); c.3303C>T (NM_001252020.1).
Identifiers: ClinVar variation 315503 (VCV000315503.41), dbSNP rs773508261, ClinGen allele CA7451940.